The following is an entry in ClinVar:

NM_015205.3(ATP11A):c.2889C>T (p.Arg963=)

Gene: ATP11A (ATPase phospholipid transporting 11A; plus strand). Cytogenetic location: 13q34.
Variant type: single nucleotide variant.
Coding change: c.2889C>T on transcript NM_015205.3 (MANE Select); coding-DNA position 2889, C replaced by T.
Protein change: p.Arg963=; no amino-acid change (arginine 963 retained).
Molecular consequence: synonymous variant.
Genome position (GRCh38, 1-based): chr13:112,862,473, C>T. VCF-style: chr13-112862473-C-T. GRCh37 (hg19) VCF-style: chr13-113516787-C-T.
Other names: c.2889C>T, p.Arg963= (NM_001405661.1, NM_001405662.1, NM_001405663.1 and 1 more transcripts).
Identifiers: ClinVar variation 4979046 (VCV004979046.1).

ClinVar aggregate classification (germline): Likely benign (1 of 4 stars; one submission).

Conditions:
ATP11A-related disorder. Also called: ATP11A-related condition.

gnomAD v4.1: 223 of 1,614,114 alleles (0.014%); highest among the groups gnomAD compares: African/African-American, 0.12%; no homozygotes.

Submission:

PreventionGenetics, part of Exact Sciences
Classification: Likely benign for ATP11A-related condition. Last evaluated: 2026-07-06. Review status: criteria provided, single submitter. Criteria: ACMG Guidelines, 2015. Collection method: clinical testing. Allele origin: germline.
Comment: This variant is classified as likely benign based on ACMG/AMP sequence variant interpretation guidelines (Richards et al. 2015 PMID: 25741868, with internal and published modifications).